The following is an entry in ClinVar:

NM_014159.7(SETD2):c.1729G>A (p.Glu577Lys)

Gene: SETD2 (SET domain containing 2, histone lysine methyltransferase; minus strand). Cytogenetic location: 3p21.31.
Variant type: single nucleotide variant.
Coding change: c.1729G>A on transcript NM_014159.7 (MANE Select); coding-DNA position 1729, G replaced by A.
Protein change: p.Glu577Lys; replaces glutamic acid 577 with lysine.
Molecular consequence: missense variant. On other transcripts: non-coding transcript variant (1).
Genome position (GRCh38, 1-based): chr3:47,122,907, C>T on the plus strand (G>A on the coding strand, the complement: SETD2 is on the minus strand). VCF-style: chr3-47122907-C-T. GRCh37 (hg19) VCF-style: chr3-47164397-C-T.
Other names: c.1597G>A, p.Glu533Lys (NM_001349370.3); short protein forms E533K, E577K.
Identifiers: ClinVar variation 5020761 (VCV005020761.1).
Genomic context (GRCh38, chr3:47,122,907, plus strand): 5'-CTTTTGAACAAGGTGTCTGTAAACTAAAAGAATGAGACTGTTTGATTTCTTCATTTAATT[C>T]TGTACAACAGAAAGAATTTTTAAATTTATCAGACTTGGGTATAGGTTTTGAAAGGGTAGA-3'
Protein context (NP_054878.5, residues 567-587): DKFKNSFCCT[Glu577Lys]LNEEIKQSHS

ClinVar aggregate classification (germline): Uncertain significance (1 of 4 stars; one submission).

Submission:

Dasa
Classification: Uncertain significance. Last evaluated: 2025-12-13. Review status: criteria provided, single submitter. Criteria: DASA Assertion Criteria. Collection method: clinical testing. Allele origin: germline.
Comment: NM_014159.7(SETD2):c.1729G>A (p.Glu577Lys) is a missense variant that results in the substitution of glutamic acid with lysine. This variant is rare in population databases. The currently available literature and clinical evidence are not sufficient to establish a definitive association between this variant and the reported condition. Therefore, this variant is classified as a variant of uncertain significance.